The following is an entry in ClinVar:

NM_015331.3(NCSTN):c.469G>T (p.Ala157Ser)

Gene: NCSTN (nicastrin; plus strand). Cytogenetic location: 1q23.2.
Variant type: single nucleotide variant.
Coding change: c.469G>T on transcript NM_015331.3 (MANE Select); coding-DNA position 469, G replaced by T.
Protein change: p.Ala157Ser; replaces alanine 157 with serine.
Molecular consequence: missense variant.
Genome position (GRCh38, 1-based): chr1:160,350,137, G>T. VCF-style: chr1-160350137-G-T. GRCh37 (hg19) VCF-style: chr1-160319927-G-T.
Other names: c.409G>T, p.Ala137Ser (NM_001290184.2); c.469G>T, p.Ala157Ser (NM_001290186.2, NM_001349729.2); short protein forms A137S, A157S.
Identifiers: ClinVar variation 1468774 (VCV001468774.8), dbSNP rs1191362850, ClinGen allele CA343277670.

ClinVar aggregate classification (germline): Uncertain significance (1 of 4 stars; one submission).

Allele frequency attached by ClinVar (database versions not stated): TOPMed below 0.00001; gnomAD 0.00001.
gnomAD v4.1: 1 of 1,613,940 alleles (0.000062%); highest among the groups gnomAD compares: African/African-American, 0.0013%; no homozygotes.

Submission:

Labcorp Genetics (formerly Invitae), Labcorp
Classification: Uncertain significance. Last evaluated: 2020-11-11. Review status: criteria provided, single submitter. Criteria: Invitae Variant Classification Sherloc (09022015). Collection method: clinical testing. Allele origin: germline.
Comment: This variant is not present in population databases (ExAC no frequency). In summary, the available evidence is currently insufficient to determine the role of this variant in disease. Therefore, it has been classified as a Variant of Uncertain Significance. Algorithms developed to predict the effect of missense changes on protein structure and function (SIFT, PolyPhen-2, Align-GVGD) all suggest that this variant is likely to be tolerated, but these predictions have not been confirmed by published functional studies and their clinical significance is uncertain. This variant has not been reported in the literature in individuals with NCSTN-related conditions. This sequence change replaces alanine with serine at codon 157 of the NCSTN protein (p.Ala157Ser). The alanine residue is moderately conserved and there is a moderate physicochemical difference between alanine and serine.